The following is an entry in ClinVar:

ClinVar aggregate classification (germline): Uncertain significance (1 of 4 stars; one submission).

Conditions:
Holocarboxylase synthetase deficiency. Also called: MULTIPLE CARBOXYLASE DEFICIENCY, EARLY ONSET. Identifiers: Orphanet 79242, MedGen C0268581, MONDO:0009666, OMIM 253270.

Submission:

Clinical Laboratory, Heze Municipal Hospital
Classification: Uncertain significance for Holocarboxylase synthetase deficiency. Last evaluated: 2026-04-14. Review status: criteria provided, single submitter. Criteria: ACMG Guidelines, 2015. Collection method: clinical testing. Allele origin: germline. Inheritance: Autosomal recessive inheritance. Affected: yes.
Comment: The NM_000411.8(HLCS):c.1662G>T (p.Trp554Cys) is a missense variant in HLCS which localizes to the critical biotin-binding domain of the holocarboxylase synthetase protein. SIFT (Damaging), PolyPhen-2 (Probably damaging), LRT (Damaging), and ClinPred (Damaging) consistently predict a deleterious effect, and the tryptophan-to-cysteine substitution is predicted to disrupt protein structure and function (PP3). This variant is absent from the ESP, 1000 Genomes, and ExAC databases, indicating extreme rarity in the general population, consistent with the rarity of holocarboxylase synthetase deficiency (PM2_Sup). In summary, the current evidence is insufficient to determine the pathogenicity of this variant, and it is classified as a variant of uncertain significance (VUS) for holocarboxylase synthetase deficiency based on the ACMG/AMP criteria:PM2_Sup, PP3, PP4.

NM_001352514.2(HLCS):c.2103G>T (p.Arg701Ser)

Gene: HLCS (holocarboxylase synthetase; minus strand). Cytogenetic location: 21q22.13.
Variant type: single nucleotide variant.
Coding change: c.2103G>T on transcript NM_001352514.2 (MANE Select); coding-DNA position 2103, G replaced by T.
Protein change: p.Arg701Ser; replaces arginine 701 with serine.
Molecular consequence: missense variant. On other transcripts: non-coding transcript variant (2).
Genome position (GRCh38, 1-based): chr21:36,765,030, C>A on the plus strand (G>T on the coding strand, the complement: HLCS is on the minus strand). VCF-style: chr21-36765030-C-A. GRCh37 (hg19) VCF-style: chr21-38137331-C-A.
Other names: c.1662G>T, p.Arg554Ser (NM_000411.8, NM_001242784.3, NM_001242785.2 and 4 more transcripts); short protein forms R554S, R701S.
Identifiers: ClinVar variation 4820035 (VCV004820035.1).